The following is an entry in ClinVar:

NM_015627.3(LDLRAP1):c.571del (p.Asp191fs)

Gene: LDLRAP1 (low density lipoprotein receptor adaptor protein 1; plus strand). Cytogenetic location: 1p36.11.
Variant type: Deletion.
Coding change: c.571del on transcript NM_015627.3 (MANE Select); coding-DNA position 571, one base deleted (G; older notation c.571delG).
Protein change: p.Asp191fs; shifts the reading frame from aspartic acid 191.
Molecular consequence: frameshift variant.
Genome position (GRCh38, 1-based): chr1:25,563,108, G deleted; the last of 4 consecutive G bases (chr1:25,563,105-25,563,108); deleting any one gives the same sequence. VCF-style (leftmost placement, unchanged base first): chr1-25563104-AG-A. GRCh37 (hg19) VCF-style: chr1-25889595-AG-A.
Other names: short protein forms D191fs.
Identifiers: ClinVar variation 860136 (VCV000860136.8), dbSNP rs2044384127, ClinGen allele CA916080228.
Genomic context (GRCh38, chr1:25,563,104, plus strand): 5'-CAACATGTTGTGCCTTGGTCCTGCAGAGAAAGAGAAGAGGGACAAAGCCAGCCAAGAGGG[AG>A]GGGACGTCCTGGGGGCCCGCCAAGACTGCACCCCCTCCTTGAAGAGCTGTGAGTCCTGAC-3'

ClinVar aggregate classification (germline): Pathogenic (1 of 4 stars; one submission).

Conditions:
Hypercholesterolemia, familial, 4 (FHCL4). Also called: HYPERCHOLESTEROLEMIA, AUTOSOMAL RECESSIVE, 1; HYPERCHOLESTEROLEMIA, AUTOSOMAL RECESSIVE, 2. Identifiers: Orphanet 391665, MedGen C1863512, MONDO:0011374, OMIM 603813.

Submission:

Labcorp Genetics (formerly Invitae), Labcorp
Classification: Pathogenic for Hypercholesterolemia, familial, 4. Last evaluated: 2019-04-15. Review status: criteria provided, single submitter. Criteria: Invitae Variant Classification Sherloc (09022015). Collection method: clinical testing. Allele origin: germline.
Comment: For these reasons, this variant has been classified as Pathogenic. Loss-of-function variants in LDLRAP1 are known to be pathogenic (PMID: 11326085, 12464675). This variant has not been reported in the literature in individuals with LDLRAP1-related conditions. This variant is not present in population databases (ExAC no frequency). This sequence change creates a premature translational stop signal (p.Asp191Thrfs*13) in the LDLRAP1 gene. It is expected to result in an absent or disrupted protein product.

Literature cited by the submitters: PubMed 11326085; PubMed 12464675.